The following is an entry in ClinVar:

ClinVar aggregate classification (germline): Uncertain significance (1 of 4 stars; one submission).

Conditions:
Myofibrillar myopathy 5. Also called: Filaminopathy (type); FILAMINOPATHY, AUTOSOMAL DOMINANT. Identifiers: Orphanet 171445, MedGen C1836050, MONDO:0012289, OMIM 609524.
Distal myopathy with posterior leg and anterior hand involvement. Also called: WILLIAMS DISTAL MYOPATHY. Identifiers: Orphanet 63273, MedGen C3279722, MONDO:0013550, OMIM 614065.
Hypertrophic cardiomyopathy 26. Also called: Cardiomyopathy, familial hypertrophic, 26. Identifiers: Orphanet 75249, MedGen C4310749, MONDO:0014883, OMIM 617047.

Allele frequency attached by ClinVar (database versions not stated): gnomAD 0.00001; TOPMed 0.00001.
gnomAD v4.1: 6 of 1,612,600 alleles (0.00037%); highest among the groups gnomAD compares: Non-Finnish European, 0.00042%; no homozygotes.

Submission:

Labcorp Genetics (formerly Invitae), Labcorp
Classification: Uncertain significance for Distal myopathy with posterior leg and anterior hand involvement; Myofibrillar myopathy 5; Hypertrophic cardiomyopathy 26. Last evaluated: 2025-08-20. Review status: criteria provided, single submitter. Criteria: Invitae Variant Classification Sherloc (09022015). Collection method: clinical testing. Allele origin: germline.
Comment: This sequence change replaces glycine, which is neutral and non-polar, with arginine, which is basic and polar, at codon 2215 of the FLNC protein (p.Gly2215Arg). This variant is not present in population databases (gnomAD no frequency). This missense change has been observed in individual(s) with dilated cardiomyopathy (PMID: 37198425). ClinVar contains an entry for this variant (Variation ID: 1349380). An algorithm developed to predict the effect of missense changes on protein structure and function (PolyPhen-2) suggests that this variant is likely to be tolerated. In summary, the available evidence is currently insufficient to determine the role of this variant in disease. Therefore, it has been classified as a Variant of Uncertain Significance.

Literature cited by the submitters: PubMed 37198425.

NM_001458.5(FLNC):c.6643G>A (p.Gly2215Arg)

Genes: FLNC-AS1 (FLNC antisense RNA 1; minus strand), FLNC (filamin C; plus strand). Cytogenetic location: 7q32.1.
Variant type: single nucleotide variant.
Coding change: c.6643G>A on transcript NM_001458.5 (MANE Select); coding-DNA position 6643, G replaced by A.
Protein change: p.Gly2215Arg; replaces glycine 2215 with arginine.
Molecular consequence: missense variant.
Genome position (GRCh38, 1-based): chr7:128,854,132, G>A. VCF-style: chr7-128854132-G-A. GRCh37 (hg19) VCF-style: chr7-128494186-G-A.
Other names: c.6544G>A, p.Gly2182Arg (NM_001127487.2); short protein forms G2182R, G2215R.
Identifiers: ClinVar variation 1349380 (VCV001349380.8), dbSNP rs1310201356, ClinGen allele CA369212990.